The following is an entry in ClinVar:

ClinVar aggregate classification (germline): Uncertain significance (1 of 4 stars; one submission).

Allele frequency attached by ClinVar (database versions not stated): gnomAD exomes below 0.00001.
gnomAD v4.1: 4 of 1,594,194 alleles (0.00025%); highest among the groups gnomAD compares: Non-Finnish European, 0.00026%; no homozygotes.

Submission:

Labcorp Genetics (formerly Invitae), Labcorp
Classification: Uncertain significance. Last evaluated: 2024-10-23. Review status: criteria provided, single submitter. Criteria: Invitae Variant Classification Sherloc (09022015). Collection method: clinical testing. Allele origin: germline.
Comment: This sequence change falls in intron 22 of the DMXL2 gene. It does not directly change the encoded amino acid sequence of the DMXL2 protein. This variant is not present in population databases (gnomAD no frequency). This variant has not been reported in the literature in individuals affected with DMXL2-related conditions. ClinVar contains an entry for this variant (Variation ID: 1421141). Algorithms developed to predict the effect of sequence changes on RNA splicing suggest that this variant may create or strengthen a splice site. In summary, the available evidence is currently insufficient to determine the role of this variant in disease. Therefore, it has been classified as a Variant of Uncertain Significance.

NM_001378457.1(DMXL2):c.5217+7A>G

Gene: DMXL2 (Dmx like 2; minus strand). Cytogenetic location: 15q21.2.
Variant type: single nucleotide variant.
Coding change: c.5217+7A>G on transcript NM_001378457.1 (MANE Select); 7 bases into the intron after coding-DNA position 5217, A replaced by G.
Molecular consequence: intron variant.
Genome position (GRCh38, 1-based): chr15:51,487,947, T>C on the plus strand (A>G on the coding strand, the complement: DMXL2 is on the minus strand). VCF-style: chr15-51487947-T-C. GRCh37 (hg19) VCF-style: chr15-51780144-T-C.
Other names: c.3198+7A>G (NM_001378460.1); c.3309+7A>G (NM_001174117.3); c.5217+7A>G (NM_015263.5, NM_001378458.1, NM_001378459.1 and 4 more transcripts); c.4977+7A>G (NM_001378464.1).
Identifiers: ClinVar variation 1421141 (VCV001421141.6), dbSNP rs2140415294, ClinGen allele CA2573150997.